The following is an entry in ClinVar:

ClinVar aggregate classification (germline): Uncertain significance. Review status: criteria provided, multiple submitters, no conflicts (2 of 4 stars). 2 submissions from 2 submitters: Uncertain significance (2). Last evaluated 2024-12-23.

Conditions:
Hereditary cancer-predisposing syndrome. Also called: Hereditary neoplastic syndrome; Hereditary Cancer Syndrome; Neoplastic Syndromes, Hereditary; Tumor predisposition. Identifiers: Orphanet 140162, MedGen C0027672, MeSH D009386, MONDO:0015356.
Neuroblastoma, susceptibility to, 3. Also called: ALK-Related Neuroblastic Tumor Susceptibility. Identifiers: Orphanet 635, MedGen C2751681, MONDO:0013083, OMIM 613014.

gnomAD v4.1: 7 of 1,613,864 alleles (0.00043%); highest among the groups gnomAD compares: South Asian, 0.0077%; no homozygotes.

Submissions (2):

Ambry Genetics
Classification: Uncertain significance for Hereditary cancer-predisposing syndrome. Last evaluated: 2024-12-23. Review status: criteria provided, single submitter. Criteria: Ambry Variant Classification Scheme 2023. Collection method: clinical testing. Allele origin: germline.
Comment: The p.P527S variant (also known as c.1579C>T), located in coding exon 8 of the ALK gene, results from a C to T substitution at nucleotide position 1579. The proline at codon 527 is replaced by serine, an amino acid with similar properties. This amino acid position is conserved. In addition, this alteration is predicted to be tolerated by in silico analysis. Based on the available evidence, the clinical significance of this variant remains unclear.

Labcorp Genetics (formerly Invitae), Labcorp
Classification: Uncertain significance for Neuroblastoma, susceptibility to, 3. Last evaluated: 2023-06-22. Review status: criteria provided, single submitter. Criteria: Invitae Variant Classification Sherloc (09022015). Collection method: clinical testing. Allele origin: germline.
Comment: This sequence change replaces proline, which is neutral and non-polar, with serine, which is neutral and polar, at codon 527 of the ALK protein (p.Pro527Ser). This variant is present in population databases (rs748501104, gnomAD 0.006%). This variant has not been reported in the literature in individuals affected with ALK-related conditions. Algorithms developed to predict the effect of missense changes on protein structure and function output the following: SIFT: "Not Available"; PolyPhen-2: "Benign"; Align-GVGD: "Not Available". The serine amino acid residue is found in multiple mammalian species, which suggests that this missense change does not adversely affect protein function. In summary, the available evidence is currently insufficient to determine the role of this variant in disease. Therefore, it has been classified as a Variant of Uncertain Significance.

NM_004304.5(ALK):c.1579C>T (p.Pro527Ser)

Gene: ALK (ALK receptor tyrosine kinase; minus strand). Cytogenetic location: 2p23.2.
Variant type: single nucleotide variant.
Coding change: c.1579C>T on transcript NM_004304.5 (MANE Select); coding-DNA position 1579, C replaced by T.
Protein change: p.Pro527Ser; replaces proline 527 with serine.
Molecular consequence: missense variant.
Genome position (GRCh38, 1-based): chr2:29,318,372, G>A on the plus strand (C>T on the coding strand, the complement: ALK is on the minus strand). VCF-style: chr2-29318372-G-A. GRCh37 (hg19) VCF-style: chr2-29541238-G-A.
Other names: c.1579C>T (NM_004304.4); short protein forms P527S.
Identifiers: ClinVar variation 2766981 (VCV002766981.4), dbSNP rs748501104, ClinGen allele CA1594602.